The following is an entry in ClinVar:

NM_001127222.2(CACNA1A):c.6322C>A (p.Arg2108Ser)

Gene: CACNA1A (calcium voltage-gated channel subunit alpha1 A; minus strand). Cytogenetic location: 19p13.13.
Variant type: single nucleotide variant.
Coding change: c.6322C>A on transcript NM_001127222.2 (MANE Select); coding-DNA position 6322, C replaced by A.
Protein change: p.Arg2108Ser; replaces arginine 2108 with serine.
Molecular consequence: missense variant.
Genome position (GRCh38, 1-based): chr19:13,210,634, G>T on the plus strand (C>A on the coding strand, the complement: CACNA1A is on the minus strand). VCF-style: chr19-13210634-G-T. GRCh37 (hg19) VCF-style: chr19-13321448-G-T.
Other names: c.6325C>A (NM_001127221.1); c.6340C>A, p.Arg2114Ser (NM_000068.4, NM_023035.3); c.6325C>A, p.Arg2109Ser (NM_001127221.2); c.6331C>A, p.Arg2111Ser (NM_001174080.2); short protein forms R2108S, R2109S, R2111S, R2114S.
Identifiers: ClinVar variation 1009001 (VCV001009001.10), dbSNP rs758498629, ClinGen allele CA404331318.

ClinVar aggregate classification (germline): Uncertain significance. Review status: criteria provided, multiple submitters, no conflicts (2 of 4 stars). 2 submissions from 2 submitters: Uncertain significance (2). Last evaluated 2026-03-02.

Conditions:
Episodic ataxia type 2 (EA2). Also called: ACETAZOLAMIDE-RESPONSIVE HEREDITARY PAROXYSMAL CEREBELLAR ATAXIA; ATAXIA, EPISODIC, WITH NYSTAGMUS; ATAXIA, FAMILIAL PAROXYSMAL; CEREBELLAR ATAXIA, PAROXYSMAL, ACETAZOLAMIDE-RESPONSIVE; CEREBELLOPATHY, HEREDITARY PAROXYSMAL; EPISODIC ATAXIA, NYSTAGMUS-ASSOCIATED. Identifiers: Orphanet 97, MedGen C1720416, MONDO:0007163, OMIM 108500.
Developmental and epileptic encephalopathy, 42 (DEE42A). Also called: Epileptic encephalopathy, early infantile, 42; DEVELOPMENTAL AND EPILEPTIC ENCEPHALOPATHY 42A; EPILEPTIC ENCEPHALOPATHY, EARLY INFANTILE, 42A. Identifiers: MedGen C4310716, MONDO:0014917, OMIM 617106.

Submissions (2):

GeneDx
Classification: Uncertain significance. Last evaluated: 2026-03-02. Review status: criteria provided, single submitter. Criteria: GeneDx Variant Classification Process June 2021. Collection method: clinical testing. Allele origin: germline.
Comment: Not observed at significant frequency in large population cohorts (gnomAD); In silico analysis suggests that this missense variant does not alter protein structure/function; Has not been previously published as pathogenic or benign to our knowledge

Labcorp Genetics (formerly Invitae), Labcorp
Classification: Uncertain significance for Developmental and epileptic encephalopathy, 42; Episodic ataxia type 2. Last evaluated: 2020-06-17. Review status: criteria provided, single submitter. Criteria: Invitae Variant Classification Sherloc (09022015). Collection method: clinical testing. Allele origin: germline.
Comment: In summary, the available evidence is currently insufficient to determine the role of this variant in disease. Therefore, it has been classified as a Variant of Uncertain Significance. Algorithms developed to predict the effect of missense changes on protein structure and function are either unavailable or do not agree on the potential impact of this missense change (SIFT: "Tolerated"; PolyPhen-2: "Probably Damaging"; Align-GVGD: "Class C0"). This variant has not been reported in the literature in individuals with CACNA1A-related conditions. This variant is not present in population databases (ExAC no frequency). This sequence change replaces arginine with serine at codon 2109 of the CACNA1A protein (p.Arg2109Ser). The arginine residue is moderately conserved and there is a moderate physicochemical difference between arginine and serine.